The following is an entry in ClinVar:

ClinVar aggregate classification (germline): Uncertain significance (1 of 4 stars; one submission).

Submission:

Labcorp Genetics (formerly Invitae), Labcorp
Classification: Uncertain significance. Last evaluated: 2022-03-27. Review status: criteria provided, single submitter. Criteria: Invitae Variant Classification Sherloc (09022015). Collection method: clinical testing. Allele origin: germline.
Comment: This variant has not been reported in the literature in individuals affected with SLC9A3-related conditions. This variant is not present in population databases (gnomAD no frequency). This sequence change replaces threonine, which is neutral and polar, with asparagine, which is neutral and polar, at codon 79 of the SLC9A3 protein (p.Thr79Asn). Algorithms developed to predict the effect of missense changes on protein structure and function are either unavailable or do not agree on the potential impact of this missense change (SIFT: "Not Available"; PolyPhen-2: "Probably Damaging"; Align-GVGD: "Not Available"). In summary, the available evidence is currently insufficient to determine the role of this variant in disease. Therefore, it has been classified as a Variant of Uncertain Significance.

NM_004174.4(SLC9A3):c.236C>A (p.Thr79Asn)

Gene: SLC9A3 (solute carrier family 9 member A3). Cytogenetic location: 5p15.33.
Variant type: single nucleotide variant.
Coding change: c.236C>A on transcript NM_004174.4 (MANE Select); coding-DNA position 236, C replaced by A.
Protein change: p.Thr79Asn; replaces threonine 79 with asparagine.
Molecular consequence: missense variant.
Genome position (GRCh38, 1-based): chr5:492,047, G>T on the plus strand (C>A on the coding strand, the complement: SLC9A3 is on the minus strand). VCF-style: chr5-492047-G-T. GRCh37 (hg19) VCF-style: chr5-492162-G-T.
Other names: c.236C>A, p.Thr79Asn (NM_001284351.3); short protein forms T79N.
Identifiers: ClinVar variation 2118204 (VCV002118204.4), dbSNP rs2477626579, ClinGen allele CA359031652.